The following is an entry in ClinVar:

ClinVar aggregate classification (germline): Pathogenic/Likely pathogenic. Review status: criteria provided, multiple submitters, no conflicts (2 of 4 stars). 2 submissions from 2 submitters: Pathogenic (1); Likely pathogenic (1). Last evaluated 2024-02-05.

Conditions:
Arrhythmogenic right ventricular dysplasia 8 (ARVD8). Also called: ARRHYTHMOGENIC RIGHT VENTRICULAR DYSPLASIA, FAMILIAL, 8; ARRHYTHMOGENIC RIGHT VENTRICULAR CARDIOMYOPATHY 8; Arrhythmogenic Right Ventricular Dysplasia/Cardiomyopathy 8. Identifiers: MedGen C1843896, MONDO:0011831, OMIM 607450.
Cardiovascular phenotype. Identifiers: MedGen CN230736.

Allele frequency attached by ClinVar (database versions not stated): gnomAD exomes below 0.00001.
gnomAD v4.1: 1 of 1,614,060 alleles (0.000062%); highest among the groups gnomAD compares: Non-Finnish European, 0.000085%; no homozygotes.

Submissions (2):

Ambry Genetics
Classification: Pathogenic for Cardiovascular phenotype. Last evaluated: 2024-02-05. Review status: criteria provided, single submitter. Criteria: Ambry Variant Classification Scheme 2023. Collection method: clinical testing. Allele origin: germline.
Comment: The p.W298* pathogenic mutation (also known as c.893G>A), located in coding exon 7 of the DSP gene, results from a G to A substitution at nucleotide position 893. This changes the amino acid from a tryptophan to a stop codon within coding exon 7. This variant is considered to be rare based on population cohorts in the Genome Aggregation Database (gnomAD). Alterations in DSP that result in haploinsufficiency or protein truncation have been reported in patients with arrhythmogenic right ventricular cardiomyopathy (ARVC) and dilated cardiomyopathy (DCM) (Fressart V et al. Europace. 2010;12(6):861-8; Elliott P et al. Circ Cardiovasc Genet. 2010;3(4):314-22; Quarta G et al. Circulation. 2011;123(23):2701-9; Garcia-Pavia P et al. Heart. 2011;97(21):1744-52; Rasmussen TB et al. Clin Genet. 2013;84(1):20-30; Pugh TJ et al. Genet Med. 2014;16(8):601-8). This alteration is expected to result in loss of function by premature protein truncation or nonsense-mediated mRNA decay. Based on the supporting evidence, this alteration is interpreted as a disease-causing mutation.

Servicio Canario de Salud, Hospital Universitario Nuestra Sra. de Candelaria
Classification: Likely pathogenic for Arrhythmogenic right ventricular dysplasia 8. Last evaluated: 2023-06-21. Review status: criteria provided, single submitter. Criteria: ACMG Guidelines, 2015. Collection method: clinical testing. Allele origin: paternal. Inheritance: Autosomal dominant inheritance. Affected: yes. Observed: 1 heterozygote.
Comment: This variant has never been reported in DSP related-disorders. Loss-of-function variants in DSP are known to be pathogenic. This variant was absent from large population studies (gnomAD no frequency). In summary, the available evidence for c.893G>A p.(Trp298Ter) DSP variant meets our criteria to be classified as Likely Pathogenic based upon its absence from controls and the clinical correlation in this patient´s phenotype.

NM_004415.4(DSP):c.893G>A (p.Trp298Ter)

Gene: DSP (desmoplakin; plus strand). Cytogenetic location: 6p24.3.
Variant type: single nucleotide variant.
Coding change: c.893G>A on transcript NM_004415.4 (MANE Select); coding-DNA position 893, G replaced by A.
Protein change: p.Trp298Ter; replaces tryptophan 298 with a stop codon.
Molecular consequence: nonsense.
Genome position (GRCh38, 1-based): chr6:7,565,474, G>A. VCF-style: chr6-7565474-G-A. GRCh37 (hg19) VCF-style: chr6-7565707-G-A.
Other names: c.893G>A, p.Trp298Ter (NM_001008844.3, NM_001319034.2, NM_001406591.1); short protein forms W298*.
Identifiers: ClinVar variation 2664470 (VCV002664470.3), dbSNP rs2533872696, ClinGen allele CA362674542.